The following is an entry in ClinVar:

ClinVar aggregate classification (germline): Uncertain significance. Review status: criteria provided, multiple submitters, no conflicts (2 of 4 stars). 5 submissions from 5 submitters: Uncertain significance (5). Last evaluated 2025-03-09.

Conditions:
Inborn genetic diseases. Identifiers: MedGen C0950123, MeSH D030342.
Ataxia-pancytopenia syndrome (ATXPC). Also called: SAMD9L Ataxia-Pancytopenia Syndrome; SAMD9L-Related Syndrome. Identifiers: Orphanet 2585, MedGen C1327919, MONDO:0008038, OMIM 159550.

Allele frequency attached by ClinVar (database versions not stated): gnomAD exomes below 0.00001; gnomAD 0.00001.
gnomAD v4.1: 3 of 1,612,776 alleles (0.00019%); highest among the groups gnomAD compares: Middle Eastern, 0.033%; no homozygotes.

Submissions (5):

Labcorp Genetics (formerly Invitae), Labcorp
Classification: Uncertain significance. Last evaluated: 2025-03-09. Review status: criteria provided, single submitter. Criteria: Invitae Variant Classification Sherloc (09022015). Collection method: clinical testing. Allele origin: germline.
Comment: This sequence change replaces asparagine, which is neutral and polar, with aspartic acid, which is acidic and polar, at codon 1382 of the SAMD9L protein (p.Asn1382Asp). This variant is not present in population databases (gnomAD no frequency). This variant has not been reported in the literature in individuals affected with SAMD9L-related conditions. ClinVar contains an entry for this variant (Variation ID: 2964707). Invitae Evidence Modeling of protein sequence and biophysical properties (such as structural, functional, and spatial information, amino acid conservation, physicochemical variation, residue mobility, and thermodynamic stability) indicates that this missense variant is expected to disrupt SAMD9L protein function with a positive predictive value of 80%. In summary, the available evidence is currently insufficient to determine the role of this variant in disease. Therefore, it has been classified as a Variant of Uncertain Significance.

Ambry Genetics
Classification: Uncertain significance for Inborn genetic diseases. Last evaluated: 2024-12-22. Review status: criteria provided, single submitter. Criteria: Ambry Variant Classification Scheme 2023. Collection method: clinical testing. Allele origin: germline.
Comment: The p.N1382D variant (also known as c.4144A>G), located in coding exon 1 of the SAMD9L gene, results from an A to G substitution at nucleotide position 4144. The asparagine at codon 1382 is replaced by aspartic acid, an amino acid with highly similar properties. This amino acid position is conserved. In addition, this alteration is predicted to be tolerated by in silico analysis. Based on the available evidence, the clinical significance of this variant remains unclear.

GeneDx
Classification: Uncertain significance. Last evaluated: 2024-10-01. Review status: criteria provided, single submitter. Criteria: GeneDx Variant Classification Process June 2021. Collection method: clinical testing. Allele origin: germline. Affected: yes.
Comment: Not observed at significant frequency in large population cohorts (gnomAD); In silico analysis supports that this missense variant has a deleterious effect on protein structure/function; Has not been previously published as pathogenic or benign to our knowledge

Blueprint Genetics
Classification: Uncertain significance. Last evaluated: 2023-11-30. Review status: criteria provided, single submitter. Criteria: ACMG Guidelines, 2015. Collection method: clinical testing. Allele origin: germline.

Victorian Clinical Genetics Services, Murdoch Childrens Research Institute
Classification: Uncertain significance for Ataxia-pancytopenia syndrome. Last evaluated: 2023-07-17. Review status: criteria provided, single submitter. Criteria: ACMG Guidelines, 2015. Collection method: clinical testing. Allele origin: germline. Inheritance: Autosomal dominant inheritance. Affected: yes.
Comment: Based on the classification scheme VCGS_Germline_v1.3.4, this variant is classified as VUS-3B. Following criteria are met: 0103 - Toxic gain of function is the postulated mechanism for ataxia-pancytopenia syndrome (MIM#159550; PMID: 28570036), while monosomy 7 myelodysplasia and leukaemia syndrome 2 (MIM#619041) is the result of a somatic compensatory mechanism (PMID: 34621053). The mechanism for spinocerebellar ataxia 49 (MIM#619806) is unknown; however, protein reduction in the mitochondrial fraction of fibroblasts from an affected individual was observed (PMID: 35310830). (I) 0107 - This gene is associated with autosomal dominant disease. (I) 0115 - Variants in this gene are known to have variable expressivity. Variable haematologic and neurologic manifestations have been reported (PMID: 28570036). (I) 0200 - Variant is predicted to result in a missense amino acid change from asparagine to aspartic acid. (I) 0251 - This variant is heterozygous. (I) 0302 - Variant is present in gnomAD <0.001 for a dominant condition (v3: 1 heterozygote, 0 homozygotes). (SP) 0502 - Missense variant with conflicting in silico predictions and high conservation. (I) 0604 - Variant is not located in an established domain, motif, hotspot or informative constraint region. (I) 0705 - No comparable missense variants have previous evidence for pathogenicity. (I) 0807 - This variant has no previous evidence of pathogenicity. (I) 0905 - No published segregation evidence has been identified for this variant. (I) 1007 - No published functional evidence has been identified for this variant. (I) 1208 - Inheritance information for this variant is not currently available in this individual. (I) Legend: (SP) - Supporting pathogenic, (I) - Information, (SB) - Supporting benign

Literature cited by the submitters: PubMed 28570036 (cited by Victorian Clinical Genetics Services, Murdoch Childrens Research Institute); PubMed 34621053 (cited by Victorian Clinical Genetics Services, Murdoch Childrens Research Institute); PubMed 35310830 (cited by Victorian Clinical Genetics Services, Murdoch Childrens Research Institute).

NM_152703.5(SAMD9L):c.4144A>G (p.Asn1382Asp)

Gene: SAMD9L (sterile alpha motif domain containing 9 like; minus strand). Cytogenetic location: 7q21.2.
Variant type: single nucleotide variant.
Coding change: c.4144A>G on transcript NM_152703.5 (MANE Select); coding-DNA position 4144, A replaced by G.
Protein change: p.Asn1382Asp; replaces asparagine 1382 with aspartic acid.
Molecular consequence: missense variant.
Genome position (GRCh38, 1-based): chr7:93,131,828, T>C on the plus strand (A>G on the coding strand, the complement: SAMD9L is on the minus strand). VCF-style: chr7-93131828-T-C. GRCh37 (hg19) VCF-style: chr7-92761141-T-C.
Other names: c.4144A>G, p.Asn1382Asp (NM_001303496.3, NM_001303497.3, NM_001303498.3 and 5 more transcripts); c.4144A>G (NM_152703.4, NM_152703.3, NM_152703.2); short protein forms N1382D.
Identifiers: ClinVar variation 2964707 (VCV002964707.7), dbSNP rs1792117772, ClinGen allele CA368176690.